The following is an entry in ClinVar:

ClinVar aggregate classification (germline): Uncertain significance (1 of 4 stars; one submission).

Conditions:
Encephalopathy, acute, infection-induced (herpes-specific), susceptibility to, 1. Also called: Herpes simplex encephalitis, susceptibility to, 1. Identifiers: Orphanet 1930, MedGen C2750180, MONDO:0024563, OMIM 610551.

Submission:

Labcorp Genetics (formerly Invitae), Labcorp
Classification: Uncertain significance for Encephalopathy, acute, infection-induced (herpes-specific), susceptibility to, 1. Last evaluated: 2024-01-29. Review status: criteria provided, single submitter. Criteria: Invitae Variant Classification Sherloc (09022015). Collection method: clinical testing. Allele origin: germline.
Comment: This sequence change replaces glycine, which is neutral and non-polar, with glutamic acid, which is acidic and polar, at codon 320 of the TLR3 protein (p.Gly320Glu). This variant is not present in population databases (gnomAD no frequency). This variant has not been reported in the literature in individuals affected with TLR3-related conditions. An algorithm developed to predict the effect of missense changes on protein structure and function (PolyPhen-2) suggests that this variant is likely to be disruptive. In summary, the available evidence is currently insufficient to determine the role of this variant in disease. Therefore, it has been classified as a Variant of Uncertain Significance.

NM_003265.3(TLR3):c.959G>A (p.Gly320Glu)

Gene: TLR3 (toll like receptor 3; plus strand). Cytogenetic location: 4q35.1.
Variant type: single nucleotide variant.
Coding change: c.959G>A on transcript NM_003265.3 (MANE Select); coding-DNA position 959, G replaced by A.
Protein change: p.Gly320Glu; replaces glycine 320 with glutamic acid.
Molecular consequence: missense variant.
Genome position (GRCh38, 1-based): chr4:186,082,645, G>A. VCF-style: chr4-186082645-G-A. GRCh37 (hg19) VCF-style: chr4-187003799-G-A.
Other names: short protein forms G320E.
Identifiers: ClinVar variation 2809217 (VCV002809217.3), dbSNP rs2478225187, ClinGen allele CA358930541.